The following is an entry in ClinVar:

NM_001042492.3(NF1):c.7481G>A (p.Trp2494Ter)

Gene: NF1 (neurofibromin 1; plus strand). Cytogenetic location: 17q11.2.
Variant type: single nucleotide variant.
Coding change: c.7481G>A on transcript NM_001042492.3 (MANE Select); coding-DNA position 7481, G replaced by A.
Protein change: p.Trp2494Ter; replaces tryptophan 2494 with a stop codon.
Molecular consequence: nonsense.
Genome position (GRCh38, 1-based): chr17:31,352,280, G>A. VCF-style: chr17-31352280-G-A. GRCh37 (hg19) VCF-style: chr17-29679298-G-A.
Other names: c.7418G>A, p.Trp2473Ter (NM_000267.4); short protein forms W2494*, W2473*.
Identifiers: ClinVar variation 957460 (VCV000957460.27), dbSNP rs2070167232, ClinGen allele CA399017472.

ClinVar aggregate classification (germline): Pathogenic/Likely pathogenic. Review status: criteria provided, multiple submitters, no conflicts (2 of 4 stars). 6 submissions from 6 submitters: Pathogenic (4); Likely pathogenic (1). 1 of the submissions does not count toward it. Last evaluated 2026-10-06.
ClinVar aggregate classification (somatic clinical impact): Tier I - Strong (1 of 4 stars; one submission).

Conditions:
Neurofibromatosis, familial spinal (FSNF). Identifiers: Orphanet 636, MedGen C1834235, MONDO:0008078, OMIM 162210. Disease mechanism: loss of function.
Juvenile myelomonocytic leukemia (JMML). Also called: LEUKEMIA, JUVENILE MYELOMONOCYTIC, SOMATIC. Identifiers: Orphanet 86834, MedGen C0349639, MONDO:0011908, OMIM 607785, HP:0012209.
Neurofibromatosis, type 1 (NF1). Also called: Peripheral type neurofibromatosis; NEUROFIBROMATOSIS, TYPE I, SOMATIC; Neurofibromatosis, type I; VON RECKLINGHAUSEN DISEASE. Identifiers: Orphanet 636, MedGen C0027831, MONDO:0018975, OMIM 162200. Disease mechanism: loss of function.
Neurofibromatosis-Noonan syndrome (NFNS). Also called: NEUROFIBROMATOSIS WITH NOONAN PHENOTYPE. Identifiers: Orphanet 638, MedGen C2931482, MONDO:0011035, OMIM 601321. Disease mechanism: loss of function.
Café-au-lait macules with pulmonary stenosis (WTSN). Also called: PULMONIC STENOSIS WITH CAFE-AU-LAIT SPOTS. Identifiers: MedGen C0553586, MONDO:0008672, OMIM 193520.
Cardiovascular phenotype. Identifiers: MedGen CN230736.
Hereditary cancer-predisposing syndrome. Also called: Tumor predisposition; Hereditary Cancer Syndrome; Hereditary neoplastic syndrome; Neoplastic Syndromes, Hereditary. Identifiers: Orphanet 140162, MedGen C0027672, MeSH D009386, MONDO:0015356.
Gastric cancer. Also called: Stomach cancer; Malignant tumor of stomach. Identifiers: MedGen C0024623, MeSH D013274, MONDO:0001056, OMIM 613659, HP:0012126.
Diffuse midline glioma, H3 K27M-mutant. Identifiers: MedGen C4289688, MONDO:0957196.

Submissions (7):

NHS Central & South Genomic Laboratory Hub
Classification: Pathogenic for Neurofibromatosis type 1. Last evaluated: 2026-10-06. Review status: criteria provided, single submitter. Criteria: ACMG Guidelines, 2015. Collection method: clinical testing. Allele origin: germline. Affected: yes.

Ambry Genetics
Classification: Pathogenic for Cardiovascular phenotype; Hereditary cancer-predisposing syndrome. Last evaluated: 2026-03-31. Review status: criteria provided, single submitter. Criteria: Ambry Variant Classification Scheme 2023. Collection method: clinical testing. Allele origin: germline.
Comment: The p.W2473* pathogenic mutation (also known as c.7418G>A), located in coding exon 50 of the NF1 gene, results from a G to A substitution at nucleotide position 7418. This changes the amino acid from a tryptophan to a stop codon within coding exon 50. This variant was reported in individual(s) with features consistent with neurofibromatosis type 1 (van Minkelen R et al. Clin Genet, 2014 Apr;85:318-27; Crona J et al. PLoS One, 2015 Jul;10:e0133210; Ambry internal data). Note, this variant is also referred to as c.7481G>A (p.Trp2494Ter) in the literature. This variant is considered to be rare based on population cohorts in the Genome Aggregation Database (gnomAD). This alteration is expected to result in loss of function by premature protein truncation or nonsense-mediated mRNA decay. As such, this alteration is interpreted as a disease-causing mutation.

Institute for Genomic Medicine (IGM) Clinical Laboratory, Nationwide Children's Hospital
Classification: Likely pathogenic for Neurofibromatosis, type 1. Last evaluated: 2024-04-25. Review status: criteria provided, single submitter. Criteria: ACMG Guidelines, 2015. Collection method: clinical testing. Allele origin: germline.
Comment: This variant is predicted to result in loss of function through nonsense-mediated decay of the encoded transcript or premature truncation of the encoded protein in a gene in which loss of function is a known mechanism of disease (ACMG/AMP: PVS1; PMIDs:20301288, 23656349, 33919865). This variant is absent from or present at an exceedingly low frequency in gnomAD, a large-scale control population database (ACMG/AMP: PM2).

Institute for Genomic Medicine (IGM) Clinical Laboratory, Nationwide Children's Hospital
Classification: Tier I - Strong for Diffuse midline glioma, H3 K27M-mutant. Assertion type: diagnostic. Clinical significance: supports diagnosis. Last evaluated: 2022-11-09. Review status: criteria provided, single submitter. Criteria: AMP/ASCO/CAP Guidelines, 2017. Collection method: clinical testing. Allele origin: somatic. Affected: yes.
Comment: Variant has Tier I (strong) clinical significance as a diagnostic inclusion criterion in diffuse midline glioma, H3 K27M-mutant, based on the following evidence: 1) Documented in one or more cancer databases (e.g., St. Jude Pecan, COSMIC, CIViC, OncoKB). 2) Diagnostic for a specific tumor type/classification based on well-powered studies with expert-level consensus (Evidence Level B; PMIDs: 24705251, 28966033, 33433639, 34796414, 32862234, 34759345, 32582540, 35456430).

Labcorp Genetics (formerly Invitae), Labcorp
Classification: Pathogenic for Neurofibromatosis, type 1. Last evaluated: 2021-10-13. Review status: criteria provided, single submitter. Criteria: Invitae Variant Classification Sherloc (09022015). Collection method: clinical testing. Allele origin: germline.
Comment: This premature translational stop signal has been observed in individual(s) with neurofibromatosis type 1 (PMID: 26230854). ClinVar contains an entry for this variant (Variation ID: 957460). This variant is also known as p.Trp2494*. For these reasons, this variant has been classified as Pathogenic. This sequence change creates a premature translational stop signal (p.Trp2473*) in the NF1 gene. It is expected to result in an absent or disrupted protein product. Loss-of-function variants in NF1 are known to be pathogenic (PMID: 10712197, 23913538). This variant is not present in population databases (ExAC no frequency).

Juno Genomics, Hangzhou Juno Genomics, Inc
Classification: Pathogenic for Café-au-lait macules with pulmonary stenosis; Neurofibromatosis, type 1; Juvenile myelomonocytic leukemia; Neurofibromatosis, familial spinal; Neurofibromatosis-Noonan syndrome. Review status: criteria provided, single submitter. Criteria: ACMG Guidelines, 2015. Collection method: clinical testing. Allele origin: germline. Affected: yes.
Comment: Absent from controls (or at extremely low frequency if recessive) in Genome Aggregation Database.;Null variant in a gene where loss of function (LOF) is a known mechanism of disease.;De novo (both maternity and paternity confirmed) in a patient with the disease and no family history.;Patient's phenotype or family history is highly specific for a disease with a single genetic etiology.

Laboratory for Genotyping Development, RIKEN
Classification: Pathogenic for Gastric cancer. Last evaluated: 2021-07-01. Review status: no assertion criteria provided. Collection method: research. Allele origin: germline. Not counted in ClinVar's aggregate classification.

Literature cited by the submitters: PubMed 23656349 (cited by Ambry Genetics and Institute for Genomic Medicine (IGM) Clinical Laboratory, Nationwide Children's Hospital); PubMed 26230854 (cited by Ambry Genetics and Labcorp Genetics (formerly Invitae), Labcorp); PubMed 20301288 (cited by Institute for Genomic Medicine (IGM) Clinical Laboratory, Nationwide Children's Hospital); PubMed 33919865 (cited by Institute for Genomic Medicine (IGM) Clinical Laboratory, Nationwide Children's Hospital); PubMed 24705251 (cited by Institute for Genomic Medicine (IGM) Clinical Laboratory, Nationwide Children's Hospital); PubMed 28966033 (cited by Institute for Genomic Medicine (IGM) Clinical Laboratory, Nationwide Children's Hospital); PubMed 33433639 (cited by Institute for Genomic Medicine (IGM) Clinical Laboratory, Nationwide Children's Hospital); PubMed 34796414 (cited by Institute for Genomic Medicine (IGM) Clinical Laboratory, Nationwide Children's Hospital); PubMed 32862234 (cited by Institute for Genomic Medicine (IGM) Clinical Laboratory, Nationwide Children's Hospital); PubMed 34759345 (cited by Institute for Genomic Medicine (IGM) Clinical Laboratory, Nationwide Children's Hospital); PubMed 32582540 (cited by Institute for Genomic Medicine (IGM) Clinical Laboratory, Nationwide Children's Hospital); PubMed 35456430 (cited by Institute for Genomic Medicine (IGM) Clinical Laboratory, Nationwide Children's Hospital); PubMed 10712197 (cited by Labcorp Genetics (formerly Invitae), Labcorp); PubMed 23913538 (cited by Labcorp Genetics (formerly Invitae), Labcorp); PubMed 36988593 (cited by Laboratory for Genotyping Development, RIKEN).